The following is an entry in ClinVar:

NM_199420.4(POLQ):c.2678A>G (p.Glu893Gly)

Gene: POLQ (DNA polymerase theta; minus strand). Cytogenetic location: 3q13.33.
Variant type: single nucleotide variant.
Coding change: c.2678A>G on transcript NM_199420.4 (MANE Select); coding-DNA position 2678, A replaced by G.
Protein change: p.Glu893Gly; replaces glutamic acid 893 with glycine.
Molecular consequence: missense variant.
Genome position (GRCh38, 1-based): chr3:121,490,253, T>C on the plus strand (A>G on the coding strand, the complement: POLQ is on the minus strand). VCF-style: chr3-121490253-T-C. GRCh37 (hg19) VCF-style: chr3-121209100-T-C.
Other names: short protein forms E893G.
Identifiers: ClinVar variation 3229893 (VCV003229893.1), dbSNP rs2546788400, ClinGen allele CA354105238.

ClinVar aggregate classification (germline): Uncertain significance (1 of 4 stars; one submission).

Submission:

Ambry Genetics
Classification: Uncertain significance. Last evaluated: 2023-09-28. Review status: criteria provided, single submitter. Criteria: Ambry Variant Classification Scheme 2023. Collection method: clinical testing. Allele origin: germline.
Comment: The p.E893G variant (also known as c.2678A>G), located in coding exon 16 of the POLQ gene, results from an A to G substitution at nucleotide position 2678. The glutamic acid at codon 893 is replaced by glycine, an amino acid with similar properties. This amino acid position is conserved. In addition, this alteration is predicted to be tolerated by in silico analysis. Since supporting evidence is limited at this time, the clinical significance of this alteration remains unclear.